The following is an entry in ClinVar:

ClinVar aggregate classification (germline): Benign/Likely benign. Review status: criteria provided, multiple submitters, no conflicts (2 of 4 stars). 3 submissions from 3 submitters: Benign (1); Likely benign (2). Last evaluated 2025-12-23.

Conditions:
SNRNP200-related disorder. Also called: SNRNP200-related condition.

Allele frequency attached by ClinVar (database versions not stated): gnomAD exomes 0.00002 and 0.00007; ExAC 0.00009; 1000 Genomes Project 30x 0.00016; 1000 Genomes Project 0.00020; ESP Exome Variant Server 0.00023; gnomAD 0.00028 and 0.00030; TOPMed 0.00032.
gnomAD v4.1: 69 of 1,613,832 alleles (0.0043%); highest among the groups gnomAD compares: African/African-American, 0.073%; no homozygotes.

Submissions (3):

Labcorp Genetics (formerly Invitae), Labcorp
Classification: Benign. Last evaluated: 2025-12-23. Review status: criteria provided, single submitter. Criteria: Invitae Variant Classification Sherloc (09022015). Collection method: clinical testing. Allele origin: germline.

PreventionGenetics, part of Exact Sciences
Classification: Likely benign for SNRNP200-related condition. Last evaluated: 2024-11-26. Review status: criteria provided, single submitter. Criteria: ACMG Guidelines, 2015. Collection method: clinical testing. Allele origin: germline.
Comment: This variant is classified as likely benign based on ACMG/AMP sequence variant interpretation guidelines (Richards et al. 2015 PMID: 25741868, with internal and published modifications).

Blueprint Genetics
Classification: Likely benign. Last evaluated: 2024-08-28. Review status: criteria provided, single submitter. Criteria: ACMG Guidelines, 2015. Collection method: clinical testing. Allele origin: germline.

NM_014014.5(SNRNP200):c.1794C>A (p.Arg598=)

Gene: SNRNP200 (small nuclear ribonucleoprotein U5 subunit 200; minus strand). Cytogenetic location: 2q11.2.
Variant type: single nucleotide variant.
Coding change: c.1794C>A on transcript NM_014014.5 (MANE Select); coding-DNA position 1794, C replaced by A.
Protein change: p.Arg598=; no amino-acid change (arginine 598 retained).
Molecular consequence: synonymous variant.
Genome position (GRCh38, 1-based): chr2:96,295,536, G>T on the plus strand (C>A on the coding strand, the complement: SNRNP200 is on the minus strand). VCF-style: chr2-96295536-G-T. GRCh37 (hg19) VCF-style: chr2-96961274-G-T.
Other names: c.1794C>A (NM_014014.4).
Identifiers: ClinVar variation 1164793 (VCV001164793.11), dbSNP rs145902532, ClinGen allele CA1778845.
Genomic context (GRCh38, chr2:96,295,536, plus strand): 5'-CTCCCAACTCACCAGAATGATGAGCCGCACCAGCTGGGTGTAGGTGCGCTCACCACCCTT[G>T]CGGGTGATGATGTCCCACTTCTCGGGGGTGCAGACGATGATCTGAGTGGCACTGATCTCT-3'
Protein context (NP_054733.2, residues 588-608): CTPEKWDIIT[Arg598=]KGGERTYTQL